The following is an entry in ClinVar:

ClinVar aggregate classification (germline): Uncertain significance. Review status: criteria provided, multiple submitters, no conflicts (2 of 4 stars). 3 submissions from 3 submitters: Uncertain significance (3). Last evaluated 2025-10-15.

Conditions:
Chédiak-Higashi syndrome (CHS). Also called: Chediak-Higashi Syndrome. Identifiers: Orphanet 167, MedGen C0007965, MONDO:0008963, OMIM 214500.
Inborn genetic diseases. Identifiers: MedGen C0950123, MeSH D030342.

gnomAD v4.1: 2 of 1,613,132 alleles (0.00012%); highest among the groups gnomAD compares: Admixed American, 0.0033%; no homozygotes.

Submissions (3):

Labcorp Genetics (formerly Invitae), Labcorp
Classification: Uncertain significance for Chédiak-Higashi syndrome. Last evaluated: 2025-10-15. Review status: criteria provided, single submitter. Criteria: Invitae Variant Classification Sherloc (09022015). Collection method: clinical testing. Allele origin: germline.
Comment: This sequence change replaces threonine, which is neutral and polar, with serine, which is neutral and polar, at codon 1098 of the LYST protein (p.Thr1098Ser). This variant is present in population databases (rs768598173, gnomAD 0.003%). This variant has not been reported in the literature in individuals affected with LYST-related conditions. ClinVar contains an entry for this variant (Variation ID: 3380777). Invitae Evidence Modeling of protein sequence and biophysical properties (such as structural, functional, and spatial information, amino acid conservation, physicochemical variation, residue mobility, and thermodynamic stability) indicates that this missense variant is not expected to disrupt LYST protein function with a negative predictive value of 80%. In summary, the available evidence is currently insufficient to determine the role of this variant in disease. Therefore, it has been classified as a Variant of Uncertain Significance.

Ambry Genetics
Classification: Uncertain significance for Inborn genetic diseases. Last evaluated: 2025-08-25. Review status: criteria provided, single submitter. Criteria: Ambry Variant Classification Scheme 2023. Collection method: clinical testing. Allele origin: germline.

Mayo Clinic Laboratories, Mayo Clinic
Classification: Uncertain significance. Last evaluated: 2023-09-06. Review status: criteria provided, single submitter. Criteria: ACMG Guidelines, 2015. Collection method: clinical testing. Allele origin: germline. Observed: 1 variant allele.
Comment: BP4

NM_000081.4(LYST):c.3293C>G (p.Thr1098Ser)

Gene: LYST (lysosomal trafficking regulator; minus strand). Cytogenetic location: 1q42.3.
Variant type: single nucleotide variant.
Coding change: c.3293C>G on transcript NM_000081.4 (MANE Select); coding-DNA position 3293, C replaced by G.
Protein change: p.Thr1098Ser; replaces threonine 1098 with serine.
Molecular consequence: missense variant.
Genome position (GRCh38, 1-based): chr1:235,805,843, G>C on the plus strand (C>G on the coding strand, the complement: LYST is on the minus strand). VCF-style: chr1-235805843-G-C. GRCh37 (hg19) VCF-style: chr1-235969143-G-C.
Other names: p.Thr1098Ser; c.3293C>G (NM_000081.2); c.3293C>G, p.Thr1098Ser (NM_001301365.1); short protein forms T1098S.
Identifiers: ClinVar variation 3380777 (VCV003380777.3).